The following is an entry in ClinVar:

NM_001204.7(BMPR2):c.134G>C (p.Gly45Ala)

Gene: BMPR2 (bone morphogenetic protein receptor type 2; plus strand). Cytogenetic location: 2q33.1.
Variant type: single nucleotide variant.
Coding change: c.134G>C on transcript NM_001204.7 (MANE Select); coding-DNA position 134, G replaced by C.
Protein change: p.Gly45Ala; replaces glycine 45 with alanine.
Molecular consequence: missense variant.
Genome position (GRCh38, 1-based): chr2:202,464,866, G>C. VCF-style: chr2-202464866-G-C. GRCh37 (hg19) VCF-style: chr2-203329589-G-C.
Other names: short protein forms G45A.
Identifiers: ClinVar variation 3824823 (VCV003824823.1).

ClinVar aggregate classification (germline): Uncertain significance (1 of 4 stars; one submission).

Conditions:
Inborn genetic diseases. Identifiers: MedGen C0950123, MeSH D030342.

Submission:

Ambry Genetics
Classification: Uncertain significance for Inborn genetic diseases. Last evaluated: 2025-01-08. Review status: criteria provided, single submitter. Criteria: Ambry Variant Classification Scheme 2023. Collection method: clinical testing. Allele origin: germline.
Comment: The p.G45A variant (also known as c.134G>C), located in coding exon 2 of the BMPR2 gene, results from a G to C substitution at nucleotide position 134. The glycine at codon 45 is replaced by alanine, an amino acid with similar properties. This amino acid position is conserved. In addition, the in silico prediction for this alteration is inconclusive. Based on the available evidence, the clinical significance of this variant remains unclear.